The following is an entry in ClinVar:

NM_000038.6(APC):c.85G>T (p.Asp29Tyr)

Gene: APC (APC regulator of Wnt signaling pathway; plus strand). Cytogenetic location: 5q22.2.
Variant type: single nucleotide variant.
Coding change: c.85G>T on transcript NM_000038.6 (MANE Select); coding-DNA position 85, G replaced by T.
Protein change: p.Asp29Tyr; replaces aspartic acid 29 with tyrosine.
Molecular consequence: missense variant. On other transcripts: 5 prime UTR variant (1), intron variant (8).
Genome position (GRCh38, 1-based): chr5:112,754,975, G>T. VCF-style: chr5-112754975-G-T. GRCh37 (hg19) VCF-style: chr5-112090672-G-T.
Other names: c.85G>T, p.Asp29Tyr (NM_001127510.3, NM_001354895.2, NM_001354896.2 and 2 more transcripts); c.-951G>T (NM_001354906.2); c.166-11351G>T (NM_001354897.2, NM_001354902.2, NM_001127511.3); c.61-11351G>T (NM_001354898.2, NM_001354904.2); c.-42-11351G>T (NM_001354900.2, NM_001354901.2, NM_001354905.2); short protein forms D29Y.
Identifiers: ClinVar variation 864142 (VCV000864142.13), dbSNP rs1195191600, ClinGen allele CA16021525.
Genomic context (GRCh38, chr5:112,754,975, plus strand): 5'-TTGTTAAAGCAAGTTGAGGCACTGAAGATGGAGAACTCAAATCTTCGACAAGAGCTAGAA[G>T]ATAATTCCAATCATCTTACAAAACTGGAAACTGAGGCATCTAATATGAAGGTATCAAGAC-3'
Protein context (NP_000029.2, residues 19-39): ENSNLRQELE[Asp29Tyr]NSNHLTKLET

ClinVar aggregate classification (germline): Uncertain significance. Review status: criteria provided, multiple submitters, no conflicts (2 of 4 stars). 3 submissions from 3 submitters: Uncertain significance (3). Last evaluated 2025-12-03.

Conditions:
Hereditary cancer-predisposing syndrome. Also called: Neoplastic Syndromes, Hereditary; Hereditary neoplastic syndrome; Tumor predisposition; Hereditary Cancer Syndrome. Identifiers: Orphanet 140162, MedGen C0027672, MeSH D009386, MONDO:0015356.
Familial adenomatous polyposis 1 (FAP1). Also called: POLYPOSIS, ADENOMATOUS INTESTINAL; FAMILIAL ADENOMATOUS POLYPOSIS 1, ATTENUATED. Identifiers: MedGen C2713442, MONDO:0021056, OMIM 175100. Disease mechanism: loss of function.

Allele frequency attached by ClinVar (database versions not stated): gnomAD exomes below 0.00001; TOPMed below 0.00001.
gnomAD v4.1: 1 of 1,613,820 alleles (0.000062%); highest among the groups gnomAD compares: Non-Finnish European, 0.000085%; no homozygotes.

Submissions (3):

Dasa
Classification: Uncertain significance. Last evaluated: 2025-12-03. Review status: criteria provided, single submitter. Criteria: DASA Assertion Criteria. Collection method: clinical testing. Allele origin: germline.
Comment: NM_000038.6(APC):c.85G>T (p.Asp29Tyr) is a missense variant that results in the substitution of aspartic acid with tyrosine. This variant is rare in population databases. The currently available literature and clinical evidence are not sufficient to establish a definitive association between this variant and the reported condition. Therefore, this variant is classified as a variant of uncertain significance.

Color Diagnostics, LLC DBA Color Health
Classification: Uncertain significance for Hereditary cancer-predisposing syndrome. Last evaluated: 2025-06-17. Review status: criteria provided, single submitter. Criteria: ACMG Guidelines, 2015. Collection method: clinical testing. Allele origin: germline.
Comment: This missense variant replaces aspartic acid with tyrosine at codon 29 of the APC protein. Computational prediction suggests that this variant may not impact protein structure and function. To our knowledge, functional studies have not been reported for this variant. This variant has not been reported in individuals affected with APC-related disorders in the literature. This variant has been identified in 1/251262 chromosomes in the general population by the Genome Aggregation Database (gnomAD). The available evidence is insufficient to determine the role of this variant in disease conclusively. Therefore, this variant is classified as a Variant of Uncertain Significance.

Labcorp Genetics (formerly Invitae), Labcorp
Classification: Uncertain significance for Familial adenomatous polyposis 1. Last evaluated: 2024-02-01. Review status: criteria provided, single submitter. Criteria: Invitae Variant Classification Sherloc (09022015). Collection method: clinical testing. Allele origin: germline.
Comment: This sequence change replaces aspartic acid, which is acidic and polar, with tyrosine, which is neutral and polar, at codon 29 of the APC protein (p.Asp29Tyr). This variant is present in population databases (no rsID available, gnomAD 0.0009%). This variant has not been reported in the literature in individuals affected with APC-related conditions. ClinVar contains an entry for this variant (Variation ID: 864142). Advanced modeling of protein sequence and biophysical properties (such as structural, functional, and spatial information, amino acid conservation, physicochemical variation, residue mobility, and thermodynamic stability) performed at Invitae indicates that this missense variant is not expected to disrupt APC protein function with a negative predictive value of 95%. In summary, the available evidence is currently insufficient to determine the role of this variant in disease. Therefore, it has been classified as a Variant of Uncertain Significance.